The following is an entry in ClinVar:

NM_182914.3(SYNE2):c.15439A>G (p.Met5147Val)

Gene: SYNE2 (spectrin repeat containing nuclear envelope protein 2; plus strand). Cytogenetic location: 14q23.2.
Variant type: single nucleotide variant.
Coding change: c.15439A>G on transcript NM_182914.3 (MANE Select); coding-DNA position 15439, A replaced by G.
Protein change: p.Met5147Val; replaces methionine 5147 with valine.
Molecular consequence: missense variant.
Genome position (GRCh38, 1-based): chr14:64,143,904, A>G. VCF-style: chr14-64143904-A-G. GRCh37 (hg19) VCF-style: chr14-64610622-A-G.
Other names: c.15439A>G, p.Met5147Val (NM_015180.6); c.15439A>G (NM_182914.2); short protein forms M5147V.
Identifiers: ClinVar variation 1489507 (VCV001489507.10), dbSNP rs778595864, ClinGen allele CA7223081.
Genomic context (GRCh38, chr14:64,143,904, plus strand): 5'-ACCTGTGATGTAGAAAGCAAGCGCTATGAAAGAACGGAGTTTGCAGAGCACCTGGGGGAG[A>G]TGAACCGCCAGTGGCACCGTGTACATGGAATGCTGAATAGAAAGGTGTGTTCCTGCGTCA-3'
Protein context (NP_878918.2, residues 5137-5157): RTEFAEHLGE[Met5147Val]NRQWHRVHGM

ClinVar aggregate classification (germline): Uncertain significance. Review status: criteria provided, multiple submitters, no conflicts (2 of 4 stars). 2 submissions from 2 submitters: Uncertain significance (2). Last evaluated 2025-12-31.

Conditions:
Emery-Dreifuss muscular dystrophy 5, autosomal dominant (EDMD5). Also called: EMERY-DREIFUSS MUSCULAR DYSTROPHY 5. Identifiers: Orphanet 261, MedGen C2751805, MONDO:0013072, OMIM 612999.

Allele frequency attached by ClinVar (database versions not stated): ExAC 0.00001; gnomAD exomes 0.00001 and 0.00002; gnomAD 0.00006 and 0.00007; TOPMed 0.00009.
gnomAD v4.1: 18 of 1,614,056 alleles (0.0011%); highest among the groups gnomAD compares: Admixed American, 0.028%; no homozygotes.

Submissions (2):

Labcorp Genetics (formerly Invitae), Labcorp
Classification: Uncertain significance for Emery-Dreifuss muscular dystrophy 5, autosomal dominant. Last evaluated: 2025-12-31. Review status: criteria provided, single submitter. Criteria: Invitae Variant Classification Sherloc (09022015). Collection method: clinical testing. Allele origin: germline.
Comment: This sequence change replaces methionine, which is neutral and non-polar, with valine, which is neutral and non-polar, at codon 5147 of the SYNE2 protein (p.Met5147Val). This variant is present in population databases (rs778595864, gnomAD 0.02%). This variant has not been reported in the literature in individuals affected with SYNE2-related conditions. ClinVar contains an entry for this variant (Variation ID: 1489507). An algorithm developed to predict the effect of missense changes on protein structure and function (PolyPhen-2) suggests that this variant is likely to be tolerated. In summary, the available evidence is currently insufficient to determine the role of this variant in disease. Therefore, it has been classified as a Variant of Uncertain Significance.

Ambry Genetics
Classification: Uncertain significance. Last evaluated: 2023-05-01. Review status: criteria provided, single submitter. Criteria: Ambry Variant Classification Scheme 2023. Collection method: clinical testing. Allele origin: germline.